The following is an entry in ClinVar:

ClinVar aggregate classification (germline): Uncertain significance. Review status: criteria provided, multiple submitters, no conflicts (2 of 4 stars). 3 submissions from 3 submitters: Uncertain significance (3). Last evaluated 2025-01-22.

Conditions:
Familial adenomatous polyposis 1 (FAP1). Also called: FAMILIAL ADENOMATOUS POLYPOSIS 1, ATTENUATED; POLYPOSIS, ADENOMATOUS INTESTINAL. Identifiers: MedGen C2713442, MONDO:0021056, OMIM 175100. Disease mechanism: loss of function.
Hereditary cancer-predisposing syndrome. Also called: Hereditary neoplastic syndrome; Neoplastic Syndromes, Hereditary; Tumor predisposition; Hereditary Cancer Syndrome. Identifiers: Orphanet 140162, MedGen C0027672, MeSH D009386, MONDO:0015356.

Allele frequency attached by ClinVar (database versions not stated): gnomAD exomes below 0.00001.
gnomAD v4.1: 1 of 1,613,874 alleles (0.000062%); highest among the groups gnomAD compares: African/African-American, 0.0013%; no homozygotes.

Submissions (3):

Ambry Genetics
Classification: Uncertain significance for Hereditary cancer-predisposing syndrome. Last evaluated: 2025-01-22. Review status: criteria provided, single submitter. Criteria: Ambry Variant Classification Scheme 2023. Collection method: clinical testing. Allele origin: germline.
Comment: The p.G2545E variant (also known as c.7634G>A), located in coding exon 15 of the APC gene, results from a G to A substitution at nucleotide position 7634. The glycine at codon 2545 is replaced by glutamic acid, an amino acid with similar properties. This amino acid position is highly conserved in available vertebrate species. In addition, in silico predictors for this gene do not accurately predict pathogenicity. Since supporting evidence is limited at this time, the clinical significance of this alteration remains unclear.

GeneDx
Classification: Uncertain significance. Last evaluated: 2024-09-13. Review status: criteria provided, single submitter. Criteria: GeneDx Variant Classification Process June 2021. Collection method: clinical testing. Allele origin: germline. Affected: yes.
Comment: Not observed at significant frequency in large population cohorts (gnomAD); In silico analysis indicates that this missense variant does not alter protein structure/function; Has not been previously published as pathogenic or benign to our knowledge

Labcorp Genetics (formerly Invitae), Labcorp
Classification: Uncertain significance for Familial adenomatous polyposis 1. Last evaluated: 2024-01-07. Review status: criteria provided, single submitter. Criteria: Invitae Variant Classification Sherloc (09022015). Collection method: clinical testing. Allele origin: germline.
Comment: This sequence change replaces glycine, which is neutral and non-polar, with glutamic acid, which is acidic and polar, at codon 2545 of the APC protein (p.Gly2545Glu). This variant is not present in population databases (gnomAD no frequency). This variant has not been reported in the literature in individuals affected with APC-related conditions. ClinVar contains an entry for this variant (Variation ID: 422334). Advanced modeling of protein sequence and biophysical properties (such as structural, functional, and spatial information, amino acid conservation, physicochemical variation, residue mobility, and thermodynamic stability) performed at Invitae indicates that this missense variant is not expected to disrupt APC protein function with a negative predictive value of 95%. In summary, the available evidence is currently insufficient to determine the role of this variant in disease. Therefore, it has been classified as a Variant of Uncertain Significance.

NM_000038.6(APC):c.7634G>A (p.Gly2545Glu)

Gene: APC (APC regulator of Wnt signaling pathway; plus strand). Cytogenetic location: 5q22.2.
Variant type: single nucleotide variant.
Coding change: c.7634G>A on transcript NM_000038.6 (MANE Select); coding-DNA position 7634, G replaced by A.
Protein change: p.Gly2545Glu; replaces glycine 2545 with glutamic acid.
Molecular consequence: missense variant.
Genome position (GRCh38, 1-based): chr5:112,843,228, G>A. VCF-style: chr5-112843228-G-A. GRCh37 (hg19) VCF-style: chr5-112178925-G-A.
Other names: c.7634G>A, p.Gly2545Glu (NM_001127510.3, NM_001354895.2); c.7580G>A, p.Gly2527Glu (NM_001127511.3); c.7688G>A, p.Gly2563Glu (NM_001354896.2); c.7664G>A, p.Gly2555Glu (NM_001354897.2); c.7559G>A, p.Gly2520Glu (NM_001354898.2); c.7550G>A, p.Gly2517Glu (NM_001354899.2); c.7511G>A, p.Gly2504Glu (NM_001354900.2); c.7457G>A, p.Gly2486Glu (NM_001354901.2); and 5 more; short protein forms G2527E, G2545E, G2454E, G2504E, G2555E, G2262E, G2419E, G2520E.
Identifiers: ClinVar variation 422334 (VCV000422334.9), dbSNP rs1064795713, ClinGen allele CA16037912.